The following is an entry in ClinVar:

NM_020975.6(RET):c.499T>C (p.Phe167Leu)

Gene: RET (ret proto-oncogene; plus strand). Cytogenetic location: 10q11.21.
Variant type: single nucleotide variant.
Coding change: c.499T>C on transcript NM_020975.6 (MANE Select); coding-DNA position 499, T replaced by C.
Protein change: p.Phe167Leu; replaces phenylalanine 167 with leucine.
Molecular consequence: missense variant. On other transcripts: intron variant (15).
Genome position (GRCh38, 1-based): chr10:43,102,503, T>C. VCF-style: chr10-43102503-T-C. GRCh37 (hg19) VCF-style: chr10-43597951-T-C.
Other names: c.370T>C, p.Phe124Leu (NM_001406774.1, NM_001406783.1, NM_001406786.1 and 4 more transcripts); c.499T>C, p.Phe167Leu (NM_001406779.1, NM_001406780.1, NM_001406781.1 and 14 more transcripts); c.337+1781T>C (NM_001406770.1, NM_001406766.1, NM_001406767.1 and 8 more transcripts); c.74-6528T>C (NM_001406784.1); c.74-9596T>C (NM_001406794.1, NM_001406792.1, NM_001406793.1); short protein forms F124L, F167L.
Identifiers: ClinVar variation 3663519 (VCV003663519.2).

ClinVar aggregate classification (germline): Uncertain significance (1 of 4 stars; one submission).

Conditions:
Multiple endocrine neoplasia, type 2 (MEN2). Identifiers: Orphanet 653, MedGen C4048306, MONDO:0019003. Disease mechanism: gain of function.

Submission:

Labcorp Genetics (formerly Invitae), Labcorp
Classification: Uncertain significance for Multiple endocrine neoplasia, type 2. Last evaluated: 2024-08-27. Review status: criteria provided, single submitter. Criteria: Invitae Variant Classification Sherloc (09022015). Collection method: clinical testing. Allele origin: germline.
Comment: This sequence change replaces phenylalanine, which is neutral and non-polar, with leucine, which is neutral and non-polar, at codon 167 of the RET protein (p.Phe167Leu). This variant is not present in population databases (gnomAD no frequency). This variant has not been reported in the literature in individuals affected with RET-related conditions. An algorithm developed to predict the effect of missense changes on protein structure and function (PolyPhen-2) suggests that this variant is likely to be tolerated. In summary, the available evidence is currently insufficient to determine the role of this variant in disease. Therefore, it has been classified as a Variant of Uncertain Significance.